The following is an entry in ClinVar:

NM_001349206.2(LPIN1):c.437C>T (p.Pro146Leu)

Gene: LPIN1 (lipin 1; plus strand). Cytogenetic location: 2p25.1.
Variant type: single nucleotide variant.
Coding change: c.437C>T on transcript NM_001349206.2 (MANE Select); coding-DNA position 437, C replaced by T.
Protein change: p.Pro146Leu; replaces proline 146 with leucine.
Molecular consequence: missense variant. On other transcripts: non-coding transcript variant (1).
Genome position (GRCh38, 1-based): chr2:11,771,520, C>T. VCF-style: chr2-11771520-C-T. GRCh37 (hg19) VCF-style: chr2-11911646-C-T.
Other names: c.437C>T (NM_145693.1, NM_145693.2); c.455C>T, p.Pro152Leu (NM_001261427.3); c.584C>T, p.Pro195Leu (NM_001261428.3, NM_001349208.2); c.437C>T, p.Pro146Leu (NM_001349199.2, NM_001349200.2, NM_001349201.2 and 5 more transcripts); c.527C>T, p.Pro176Leu (NM_001349207.2); short protein forms P152L, P176L, P146L, P195L.
Identifiers: ClinVar variation 2143267 (VCV002143267.4), dbSNP rs371419134, ClinGen allele CA1533430.

ClinVar aggregate classification (germline): Conflicting classifications of pathogenicity. Review status: criteria provided, conflicting classifications (1 of 4 stars). 4 submissions from 4 submitters: Uncertain significance (3); Likely benign (1). Last evaluated 2025-06-07.

Conditions:
Myoglobinuria, acute recurrent, autosomal recessive. Also called: Myoglobinuria, recurrent, autosomal recessive; RHABDOMYOLYSIS, ACUTE RECURRENT; MYOGLOBINURIA, FAMILIAL PAROXYSMAL PARALYTIC. Identifiers: Orphanet 99845, MedGen C1849386, MONDO:0009992, OMIM 268200.
Inborn genetic diseases. Identifiers: MedGen C0950123, MeSH D030342.

Allele frequency attached by ClinVar (database versions not stated): ExAC 0.00001; TOPMed 0.00002; gnomAD 0.00003; gnomAD exomes 0.00004; ESP Exome Variant Server 0.00008.
gnomAD v4.1: 71 of 1,613,998 alleles (0.0044%); highest among the groups gnomAD compares: Middle Eastern, 0.016%; no homozygotes.

Submissions (4):

Ambry Genetics
Classification: Likely benign for Inborn genetic diseases. Last evaluated: 2025-06-07. Review status: criteria provided, single submitter. Criteria: Ambry Variant Classification Scheme 2023. Collection method: clinical testing. Allele origin: germline.

Fulgent Genetics
Classification: Uncertain significance for Myoglobinuria, acute recurrent, autosomal recessive. Last evaluated: 2024-04-22. Review status: criteria provided, single submitter. Criteria: ACMG Guidelines, 2015. Collection method: clinical testing. Allele origin: germline.

GeneDx
Classification: Uncertain significance. Last evaluated: 2023-01-20. Review status: criteria provided, single submitter. Criteria: GeneDx Variant Classification Process June 2021. Collection method: clinical testing. Allele origin: germline. Affected: yes.
Comment: Not observed at significant frequency in large population cohorts (gnomAD); In silico analysis supports that this missense variant does not alter protein structure/function; Has not been previously published as pathogenic or benign to our knowledge

Labcorp Genetics (formerly Invitae), Labcorp
Classification: Uncertain significance. Last evaluated: 2022-08-21. Review status: criteria provided, single submitter. Criteria: Invitae Variant Classification Sherloc (09022015). Collection method: clinical testing. Allele origin: germline.
Comment: This sequence change replaces proline, which is neutral and non-polar, with leucine, which is neutral and non-polar, at codon 146 of the LPIN1 protein (p.Pro146Leu). This variant is present in population databases (rs371419134, gnomAD 0.003%). This variant has not been reported in the literature in individuals affected with LPIN1-related conditions. Algorithms developed to predict the effect of missense changes on protein structure and function output the following: SIFT: "Tolerated"; PolyPhen-2: "Benign"; Align-GVGD: "Class C0". The leucine amino acid residue is found in multiple mammalian species, which suggests that this missense change does not adversely affect protein function. In summary, the available evidence is currently insufficient to determine the role of this variant in disease. Therefore, it has been classified as a Variant of Uncertain Significance.